The following is an entry in ClinVar:

ClinVar aggregate classification (germline): Pathogenic (1 of 4 stars; one submission).

Conditions:
Bardet-Biedl syndrome (BBS). Identifiers: Orphanet 110, MedGen C0752166, MONDO:0015229.

Submission:

Labcorp Genetics (formerly Invitae), Labcorp
Classification: Pathogenic for Bardet-Biedl syndrome. Last evaluated: 2023-01-16. Review status: criteria provided, single submitter. Criteria: Invitae Variant Classification Sherloc (09022015). Collection method: clinical testing. Allele origin: unknown.
Comment: For these reasons, this variant has been classified as Pathogenic. A similar copy number variant has been observed in individual(s) with clinical features of Bardet-Biedl syndrome (Invitae). In at least one individual the data is consistent with being in trans (on the opposite chromosome) from a pathogenic variant. This variant is a gross deletion of the genomic region encompassing exon(s) 1-11 of the BBS7 gene, which includes the initiator codon. This deletion extends beyond the assayed region for this gene and therefore may encompass additional genes. It is expected to result in an absent or disrupted protein product. Loss-of-function variants in BBS7 are known to be pathogenic (PMID: 12567324, 19402160, 21209035, 31196119).

Literature cited by the submitters: PubMed 12567324; PubMed 19402160; PubMed 21209035; PubMed 31196119.

NC_000004.11:g.(?_122766639)_(122872835_?)del

Genes: BBS7 (Bardet-Biedl syndrome 7; minus strand), TRPC3 (transient receptor potential cation channel subfamily C member 3; minus strand). Cytogenetic location: 4q27.
Variant type: Deletion.
Identifiers: ClinVar variation 3246646 (VCV003246646.1).